The following is an entry in ClinVar:

NM_032119.4(ADGRV1):c.10769+79G>A

Gene: ADGRV1 (adhesion G protein-coupled receptor V1; plus strand). Cytogenetic location: 5q14.3.
Variant type: single nucleotide variant.
Coding change: c.10769+79G>A on transcript NM_032119.4 (MANE Select); 79 bases into the intron after coding-DNA position 10769, G replaced by A.
Molecular consequence: intron variant.
Genome position (GRCh38, 1-based): chr5:90,745,344, G>A. VCF-style: chr5-90745344-G-A. GRCh37 (hg19) VCF-style: chr5-90041161-G-A.
Identifiers: ClinVar variation 674384 (VCV000674384.1), dbSNP rs2438356, ClinGen allele CA122815830.
Genomic context (GRCh38, chr5:90,745,344, plus strand): 5'-GCTAAGTATCTTTATGTTCACTGTAATTTTGTATGACAGCTCATTTCCAAGTCATTATTT[G>A]GTGACTGAAAAATATACAAAATATAAGAGCTATTTATCAGCCTGAAATTTGGTTATTATC-3'

ClinVar aggregate classification (germline): Benign (1 of 4 stars; one submission).

Allele frequency attached by ClinVar (database versions not stated): gnomAD exomes 0.46882; gnomAD 0.52001; TOPMed 0.53715; 1000 Genomes Project 0.53894; 1000 Genomes Project 30x 0.54169.
gnomAD v4.1: 468,857 of 983,786 alleles (48%); highest among the groups gnomAD compares: African/African-American, 64%; 113,335 homozygotes.

Submission:

GeneDx
Classification: Benign. Last evaluated: 2018-06-14. Review status: criteria provided, single submitter. Criteria: GeneDx Variant Classification (06012015). Collection method: clinical testing. Allele origin: germline. Affected: yes.
Comment: This variant is considered likely benign or benign based on one or more of the following criteria: it is a conservative change, it occurs at a poorly conserved position in the protein, it is predicted to be benign by multiple in silico algorithms, and/or has population frequency not consistent with disease.